The following is an entry in ClinVar:

NM_001201543.2(FAM161A):c.178G>T (p.Ala60Ser)

Genes: FAM161A (FAM161 centrosomal protein A; minus strand), LOC129933843 (ATAC-STARR-seq lymphoblastoid active region 15839; plus strand). Cytogenetic location: 2p15.
Variant type: single nucleotide variant.
Coding change: c.178G>T on transcript NM_001201543.2 (MANE Select); coding-DNA position 178, G replaced by T.
Protein change: p.Ala60Ser; replaces alanine 60 with serine.
Molecular consequence: missense variant. On other transcripts: non-coding transcript variant (1).
Genome position (GRCh38, 1-based): chr2:61,853,864, C>A on the plus strand (G>T on the coding strand, the complement: FAM161A is on the minus strand). VCF-style: chr2-61853864-C-A. GRCh37 (hg19) VCF-style: chr2-62080999-C-A.
Other names: c.178G>T, p.Ala60Ser (NM_032180.3); short protein forms A60S.
Identifiers: ClinVar variation 1960239 (VCV001960239.4), dbSNP rs561436916, ClinGen allele CA48483795.

ClinVar aggregate classification (germline): Uncertain significance (1 of 4 stars; one submission).

Allele frequency attached by ClinVar (database versions not stated): gnomAD exomes below 0.00001; TOPMed 0.00002.
gnomAD v4.1: 19 of 1,613,924 alleles (0.0012%); highest among the groups gnomAD compares: African/African-American, 0.0053%; 1 homozygote.

Submission:

Labcorp Genetics (formerly Invitae), Labcorp
Classification: Uncertain significance. Last evaluated: 2025-02-03. Review status: criteria provided, single submitter. Criteria: Invitae Variant Classification Sherloc (09022015). Collection method: clinical testing. Allele origin: germline.
Comment: This sequence change replaces alanine, which is neutral and non-polar, with serine, which is neutral and polar, at codon 60 of the FAM161A protein (p.Ala60Ser). This variant is present in population databases (rs561436916, gnomAD 0.003%). This variant has not been reported in the literature in individuals affected with FAM161A-related conditions. ClinVar contains an entry for this variant (Variation ID: 1960239). An algorithm developed to predict the effect of missense changes on protein structure and function (PolyPhen-2) suggests that this variant is likely to be disruptive. In summary, the available evidence is currently insufficient to determine the role of this variant in disease. Therefore, it has been classified as a Variant of Uncertain Significance.